The following is an entry in ClinVar:

NM_133259.4(LRPPRC):c.1735+2T>C

Gene: LRPPRC (leucine rich pentatricopeptide repeat containing; minus strand). Cytogenetic location: 2p21.
Variant type: single nucleotide variant.
Coding change: c.1735+2T>C on transcript NM_133259.4 (MANE Select); the canonical splice donor site of the intron after coding-DNA position 1735, T replaced by C.
Molecular consequence: splice donor variant.
Genome position (GRCh38, 1-based): chr2:43,949,600, A>G on the plus strand (T>C on the coding strand, the complement: LRPPRC is on the minus strand). VCF-style: chr2-43949600-A-G. GRCh37 (hg19) VCF-style: chr2-44176739-A-G.
Identifiers: ClinVar variation 2676301 (VCV002676301.4), dbSNP rs2466580454, ClinGen allele CA346677373.
Genomic context (GRCh38, chr2:43,949,600, plus strand): 5'-CCATCATTACACAGAAAAATGGATTTGTGGATAAGTTACAATCATCGAAATTGAAACGCT[A>G]CCCGTCGGTCCTCGAGGCTCCTGGCAATAACGTCCATCCTTGTACAACAATTCTGTTATC-3'

ClinVar aggregate classification (germline): Likely pathogenic. Review status: criteria provided, multiple submitters, no conflicts (2 of 4 stars). 2 submissions from 2 submitters: Likely pathogenic (2). Last evaluated 2023-08-03.

Conditions:
Congenital lactic acidosis, Saguenay-Lac-Saint-Jean type (MC4DN5). Also called: CYTOCHROME c OXIDASE DEFICIENCY, FRENCH CANADIAN TYPE; COX DEFICIENCY, FRENCH CANADIAN TYPE; MITOCHONDRIAL COMPLEX IV DEFICIENCY, NUCLEAR TYPE 5. Identifiers: Orphanet 70472, MedGen C1857355, MONDO:0009069, OMIM 220111.

Submissions (2):

Baylor Genetics
Classification: Likely pathogenic for Congenital lactic acidosis, Saguenay-Lac-Saint-Jean type. Last evaluated: 2023-08-03. Review status: criteria provided, single submitter. Criteria: ACMG Guidelines, 2015. Collection method: clinical testing. Allele origin: unknown.

Labcorp Genetics (formerly Invitae), Labcorp
Classification: Likely pathogenic. Last evaluated: 2023-05-02. Review status: criteria provided, single submitter. Criteria: Invitae Variant Classification Sherloc (09022015). Collection method: clinical testing. Allele origin: germline.
Comment: In summary, the currently available evidence indicates that the variant is pathogenic, but additional data are needed to prove that conclusively. Therefore, this variant has been classified as Likely Pathogenic. Algorithms developed to predict the effect of sequence changes on RNA splicing suggest that this variant may disrupt the consensus splice site. This variant has not been reported in the literature in individuals affected with LRPPRC-related conditions. This variant is not present in population databases (gnomAD no frequency). This sequence change affects a donor splice site in intron 16 of the LRPPRC gene. It is expected to disrupt RNA splicing. Variants that disrupt the donor or acceptor splice site typically lead to a loss of protein function (PMID: 16199547), and loss-of-function variants in LRPPRC are known to be pathogenic (PMID: 26510951).

Literature cited by the submitters: PubMed 16199547 (cited by Labcorp Genetics (formerly Invitae), Labcorp); PubMed 26510951 (cited by Labcorp Genetics (formerly Invitae), Labcorp).